The following is an entry in ClinVar:

ClinVar aggregate classification (germline): Uncertain significance. Review status: criteria provided, multiple submitters, no conflicts (2 of 4 stars). 2 submissions from 2 submitters: Uncertain significance (2). Last evaluated 2025-07-31.

Conditions:
Hereditary breast ovarian cancer syndrome. Also called: Hereditary breast and ovarian cancer syndrome; Breast and ovarian cancer; BRCA1- and BRCA2-Associated Hereditary Breast and Ovarian Cancer; Hereditary breast and ovarian cancer; Hereditary breast and/or ovarian cancer syndrome; Hereditary breast and ovarian cancer syndrome (HBOC). Identifiers: Orphanet 145, MedGen C0677776, MeSH D061325, MONDO:0003582. Disease mechanism: loss of function.
Hereditary cancer-predisposing syndrome. Also called: Hereditary neoplastic syndrome; Neoplastic Syndromes, Hereditary; Tumor predisposition; Hereditary Cancer Syndrome. Identifiers: Orphanet 140162, MedGen C0027672, MeSH D009386, MONDO:0015356.

Allele frequency attached by ClinVar (database versions not stated): gnomAD exomes below 0.00001.
gnomAD v4.1: 1 of 1,614,064 alleles (0.000062%); highest among the groups gnomAD compares: Non-Finnish European, 0.000085%; no homozygotes.

Submissions (2):

Ambry Genetics
Classification: Uncertain significance for Hereditary cancer-predisposing syndrome. Last evaluated: 2025-07-31. Review status: criteria provided, single submitter. Criteria: Ambry Variant Classification Scheme 2023. Collection method: clinical testing. Allele origin: germline.
Comment: The p.E3152D variant (also known as c.9456G>T), located in coding exon 24 of the BRCA2 gene, results from a G to T substitution at nucleotide position 9456. The glutamic acid at codon 3152 is replaced by aspartic acid, an amino acid with highly similar properties. This amino acid position is highly conserved in available vertebrate species. In addition, the in silico prediction for this alteration is inconclusive. Based on the available evidence, the clinical significance of this variant remains unclear.

Labcorp Genetics (formerly Invitae), Labcorp
Classification: Uncertain significance for Hereditary breast ovarian cancer syndrome. Last evaluated: 2023-12-08. Review status: criteria provided, single submitter. Criteria: Invitae Variant Classification Sherloc (09022015). Collection method: clinical testing. Allele origin: germline.
Comment: This sequence change replaces glutamic acid, which is acidic and polar, with aspartic acid, which is acidic and polar, at codon 3152 of the BRCA2 protein (p.Glu3152Asp). This variant is not present in population databases (gnomAD no frequency). This variant has not been reported in the literature in individuals affected with BRCA2-related conditions. ClinVar contains an entry for this variant (Variation ID: 835135). Advanced modeling of protein sequence and biophysical properties (such as structural, functional, and spatial information, amino acid conservation, physicochemical variation, residue mobility, and thermodynamic stability) performed at Invitae indicates that this missense variant is not expected to disrupt BRCA2 protein function with a negative predictive value of 95%. RNA analysis performed to evaluate the impact of this missense change on mRNA splicing indicates it does not significantly alter splicing (PMID: 32123317). In summary, the available evidence is currently insufficient to determine the role of this variant in disease. Therefore, it has been classified as a Variant of Uncertain Significance.

Literature cited by the submitters: PubMed 32123317 (cited by Labcorp Genetics (formerly Invitae), Labcorp).

NM_000059.4(BRCA2):c.9456G>T (p.Glu3152Asp)

Gene: BRCA2 (BRCA2 DNA repair associated; plus strand). Cytogenetic location: 13q13.1.
Variant type: single nucleotide variant.
Coding change: c.9456G>T on transcript NM_000059.4 (MANE Select); coding-DNA position 9456, G replaced by T.
Protein change: p.Glu3152Asp; replaces glutamic acid 3152 with aspartic acid.
Molecular consequence: missense variant.
Genome position (GRCh38, 1-based): chr13:32,394,888, G>T. VCF-style: chr13-32394888-G-T. GRCh37 (hg19) VCF-style: chr13-32969025-G-T.
Other names: short protein forms E3152D.
Identifiers: ClinVar variation 835135 (VCV000835135.13), dbSNP rs1593199965, ClinGen allele CA387761676.
Genomic context (GRCh38, chr13:32,394,888, plus strand): 5'-ATCAGGCCTTCTTACTTTATTTGCTGGAGATTTTTCTGTGTTTTCTGCTAGTCCAAAAGA[G>T]GGCCACTTTCAAGAGACATTCAACAAAATGAAAAATACTGTTGAGGTAAGGTTACTTTTC-3'
Protein context (NP_000050.3, residues 3142-3162): DFSVFSASPK[Glu3152Asp]GHFQETFNKM